The following is an entry in ClinVar:

NM_015015.3(KDM4B):c.1751G>T (p.Arg584Leu)

Genes: KDM4B (lysine demethylase 4B; plus strand), LOC130063244 (ATAC-STARR-seq lymphoblastoid active region 13796; plus strand). Cytogenetic location: 19p13.3.
Variant type: single nucleotide variant.
Coding change: c.1751G>T on transcript NM_015015.3 (MANE Select); coding-DNA position 1751, G replaced by T.
Protein change: p.Arg584Leu; replaces arginine 584 with leucine.
Molecular consequence: missense variant.
Genome position (GRCh38, 1-based): chr19:5,131,511, G>T. VCF-style: chr19-5131511-G-T. GRCh37 (hg19) VCF-style: chr19-5131522-G-T.
Other names: c.1853G>T, p.Arg618Leu (NM_001411148.1); short protein forms R584L, R618L.
Identifiers: ClinVar variation 3367027 (VCV003367027.1).

ClinVar aggregate classification (germline): Uncertain significance (1 of 4 stars; one submission).

Conditions:
Intellectual developmental disorder, autosomal dominant 65. Also called: MENTAL RETARDATION, AUTOSOMAL DOMINANT 65. Identifiers: MedGen C5543371, MONDO:0023657, OMIM 619320.

gnomAD v4.1: 14 of 1,580,726 alleles (0.00089%); highest among the groups gnomAD compares: Non-Finnish European, 0.0012%; no homozygotes.

Submission:

Neuberg Centre For Genomic Medicine, NCGM
Classification: Uncertain significance for Intellectual developmental disorder, autosomal dominant 65. Last evaluated: 2023-05-20. Review status: criteria provided, single submitter. Criteria: ACMG Guidelines, 2015. Collection method: clinical testing. Allele origin: germline. Inheritance: Autosomal dominant inheritance. Affected: yes.
Comment: The observed missense variant c.1751G>T (p.Arg584Leu) in the KDM4B gene has not been reported previously as a pathogenic variant nor as a benign variant, to our knowledge. This variant is absent in the gnomAD Exomes. The amino acid Arginine at position 584 is changed to a Leucine changing protein sequence and it might alter its composition and physico-chemical properties. Multiple lines of computational evidence (Polyphen - Benign, SIFT - Tolerated and MutationTaster - Polymorphism) predict no damaging effect on protein structure and function for this variant. The residue is conserved by GERP++ and PhyloP across 100 vertebrates. For these reasons, this variant has been classified as Uncertain Significance.